The following is an entry in ClinVar:

NM_001204.7(BMPR2):c.2569del (p.Arg857fs)

Gene: BMPR2 (bone morphogenetic protein receptor type 2; plus strand). Cytogenetic location: 2q33.2.
Variant type: Deletion.
Coding change: c.2569del on transcript NM_001204.7 (MANE Select); coding-DNA position 2569, one base deleted (C; older notation c.2569delC).
Protein change: p.Arg857fs; shifts the reading frame from arginine 857.
Molecular consequence: frameshift variant.
Genome position (GRCh38, 1-based): chr2:202,556,234, C deleted; the last of 3 consecutive C bases (chr2:202,556,232-202,556,234); deleting any one gives the same sequence. VCF-style (leftmost placement, unchanged base first): chr2-202556231-AC-A. GRCh37 (hg19) VCF-style: chr2-203420954-AC-A.
Other names: short protein forms R857fs.
Identifiers: ClinVar variation 993866 (VCV000993866.8), dbSNP rs1688568929, ClinGen allele CA1139657644.

ClinVar aggregate classification (germline): Pathogenic (1 of 4 stars; one submission).

Submission:

ARUP Laboratories, Molecular Genetics and Genomics, ARUP Laboratories
Classification: Pathogenic. Last evaluated: 2019-12-26. Review status: criteria provided, single submitter. Criteria: ARUP Molecular Germline Variant Investigation Process. Collection method: clinical testing. Allele origin: germline.
Comment: The BMPR2 c.2569delC; p.Arg857fs variant, also known as c.2567delC; p.Thr856fs, is reported in the medical literature in at least one individual with pulmonary arterial hypertension (Yang 2018). The variant is also absent from general population databases (Exome Variant Server, Genome Aggregation Database), indicating it is not a common polymorphism. This variant causes a frameshift by deleting a single nucleotide, so it is predicted to result in a truncated protein or mRNA subject to nonsense-mediated decay. Additionally, several other frameshift variants in this region are listed in the ClinVar database as pathogenic (see link below). Considering available information, this variant is classified as pathogenic. References: Link to BMPR2 in the ClinVar database: Yang H et al. Genetic analyses in a cohort of 191 pulmonary arterial hypertension patients. Respir Res. 2018 May 9;19(1):87.